The following is an entry in ClinVar:

ClinVar aggregate classification (germline): Uncertain significance. Review status: criteria provided, single submitter (1 of 4 stars). 2 submissions from 2 submitters: Uncertain significance (1). 1 of the submissions does not count toward it. Last evaluated 2022-03-26.

Conditions:
Sanfilippo syndrome. Also called: Mucopolysaccharidosis type 3; Sanfilippo disease; Mucopolysaccharidosis Type III. Identifiers: Orphanet 581, MedGen C0026706, MONDO:0018937.
Mucopolysaccharidosis, MPS-III-D (MPS3D). Also called: MPS IIID (Sanfilippo Syndrome Type D); N-ACETYLGLUCOSAMINE-6-SULFATASE DEFICIENCY; MUCOPOLYSACCHARIDOSIS, TYPE IIID; SANFILIPPO SYNDROME D; MPS III D; Mucopoly-saccharidosis type 3D. Identifiers: Orphanet 581, Orphanet 79272, MedGen C0086650, MONDO:0009658, OMIM 252940.

Allele frequency attached by ClinVar (database versions not stated): gnomAD exomes 0.00001; TOPMed 0.00002; gnomAD 0.00003.
gnomAD v4.1: 15 of 1,613,268 alleles (0.00093%); highest among the groups gnomAD compares: African/African-American, 0.0013%; no homozygotes.

Submissions (2):

Labcorp Genetics (formerly Invitae), Labcorp
Classification: Uncertain significance for Mucopolysaccharidosis, MPS-III-D. Last evaluated: 2022-03-26. Review status: criteria provided, single submitter. Criteria: Invitae Variant Classification Sherloc (09022015). Collection method: clinical testing. Allele origin: germline.
Comment: This sequence change replaces phenylalanine, which is neutral and non-polar, with valine, which is neutral and non-polar, at codon 226 of the GNS protein (p.Phe226Val). This variant is present in population databases (no rsID available, gnomAD 0.003%). This variant has not been reported in the literature in individuals affected with GNS-related conditions. ClinVar contains an entry for this variant (Variation ID: 1039139). Algorithms developed to predict the effect of missense changes on protein structure and function (SIFT, PolyPhen-2, Align-GVGD) all suggest that this variant is likely to be disruptive. In summary, the available evidence is currently insufficient to determine the role of this variant in disease. Therefore, it has been classified as a Variant of Uncertain Significance.

Natera, Inc.
Classification: Uncertain significance for Sanfilippo disease. Last evaluated: 2020-07-27. Review status: no assertion criteria provided. Collection method: clinical testing. Allele origin: germline. Not counted in ClinVar's aggregate classification.

NM_002076.4(GNS):c.676T>G (p.Phe226Val)

Gene: GNS (glucosamine (N-acetyl)-6-sulfatase; minus strand). Cytogenetic location: 12q14.3.
Variant type: single nucleotide variant.
Coding change: c.676T>G on transcript NM_002076.4 (MANE Select); coding-DNA position 676, T replaced by G.
Protein change: p.Phe226Val; replaces phenylalanine 226 with valine.
Molecular consequence: missense variant.
Genome position (GRCh38, 1-based): chr12:64,743,257, A>C on the plus strand (T>G on the coding strand, the complement: GNS is on the minus strand). VCF-style: chr12-64743257-A-C. GRCh37 (hg19) VCF-style: chr12-65137037-A-C.
Other names: short protein forms F226V.
Identifiers: ClinVar variation 1039139 (VCV001039139.7), dbSNP rs1283873163, ClinGen allele CA385609178.